The following is an entry in ClinVar:

ClinVar aggregate classification (germline): Uncertain significance (1 of 4 stars; one submission).

Submission:

Labcorp Genetics (formerly Invitae), Labcorp
Classification: Uncertain significance. Last evaluated: 2024-08-02. Review status: criteria provided, single submitter. Criteria: Invitae Variant Classification Sherloc (09022015). Collection method: clinical testing. Allele origin: germline.
Comment: This sequence change creates a premature translational stop signal (p.Lys24*) in the LZTS1 gene. It is expected to result in an absent or disrupted protein product. However, the current clinical and genetic evidence is not sufficient to establish whether loss-of-function variants in LZTS1 cause disease. This variant is not present in population databases (gnomAD no frequency). This variant has not been reported in the literature in individuals affected with LZTS1-related conditions. In summary, the available evidence is currently insufficient to determine the role of this variant in disease. Therefore, it has been classified as a Variant of Uncertain Significance.

NM_021020.5(LZTS1):c.70A>T (p.Lys24Ter)

Gene: LZTS1 (leucine zipper tumor suppressor 1; minus strand). Cytogenetic location: 8p21.3.
Variant type: single nucleotide variant.
Coding change: c.70A>T on transcript NM_021020.5 (MANE Select); coding-DNA position 70, A replaced by T.
Protein change: p.Lys24Ter; replaces lysine 24 with a stop codon.
Molecular consequence: nonsense.
Genome position (GRCh38, 1-based): chr8:20,255,112, T>A on the plus strand (A>T on the coding strand, the complement: LZTS1 is on the minus strand). VCF-style: chr8-20255112-T-A. GRCh37 (hg19) VCF-style: chr8-20112623-T-A.
Other names: c.70A>T, p.Lys24Ter (NM_001362884.2); short protein forms K24*.
Identifiers: ClinVar variation 3661239 (VCV003661239.2).